The following is an entry in ClinVar:

NM_004287.5(GOSR2):c.94+5G>A

Genes: GOSR2 (golgi SNAP receptor complex member 2; plus strand), LRRC37A2 (leucine rich repeat containing 37 member A2). Cytogenetic location: 17q21.32.
Variant type: single nucleotide variant.
Coding change: c.94+5G>A on transcript NM_004287.5 (MANE Select); 5 bases into the intron after coding-DNA position 94, G replaced by A.
Molecular consequence: intron variant.
Genome position (GRCh38, 1-based): chr17:46,929,589, G>A. VCF-style: chr17-46929589-G-A. GRCh37 (hg19) VCF-style: chr17-45006955-G-A.
Other names: c.94+5G>A (NM_001321133.2, NM_054022.4, NM_001330252.2 and 4 more transcripts); c.40+5G>A (NM_001363851.2, NM_001321134.2).
Identifiers: ClinVar variation 1368405 (VCV001368405.6), dbSNP rs754004382, ClinGen allele CA8621135.

ClinVar aggregate classification (germline): Uncertain significance. Review status: criteria provided, multiple submitters, no conflicts (2 of 4 stars). 3 submissions from 3 submitters: Uncertain significance (3). Last evaluated 2024-09-22.

Conditions:
Muscular dystrophy, congenital, with or without seizures (MYOS). Identifiers: MedGen C5774274, MONDO:0859336, OMIM 620166.
Progressive myoclonic epilepsy. Also called: Familial progressive myoclonic epilepsy; Myoclonic Epilepsies, Progressive; Myoclonus epilepsy; Progressive myoclonus epilepsy. Identifiers: Orphanet 308, Orphanet 98261, MedGen C0751778, MONDO:0020074.

Allele frequency attached by ClinVar (database versions not stated): ExAC 0.00002; gnomAD 0.00002; gnomAD exomes 0.00002 and 0.00003; TOPMed 0.00002.
gnomAD v4.1: 42 of 1,403,792 alleles (0.003%); highest among the groups gnomAD compares: Non-Finnish European, 0.0042%; no homozygotes.

Submissions (3):

Genomic Medicine Center of Excellence, King Faisal Specialist Hospital and Research Centre
Classification: Uncertain significance for Muscular dystrophy, congenital, with or without seizures. Last evaluated: 2024-09-22. Review status: criteria provided, single submitter. Criteria: ACMG Guidelines, 2015. Collection method: clinical testing. Allele origin: germline.

Blueprint Genetics
Classification: Uncertain significance. Last evaluated: 2024-03-12. Review status: criteria provided, single submitter. Criteria: ACMG Guidelines, 2015. Collection method: clinical testing. Allele origin: germline.

Labcorp Genetics (formerly Invitae), Labcorp
Classification: Uncertain significance for Progressive myoclonic epilepsy. Last evaluated: 2021-08-19. Review status: criteria provided, single submitter. Criteria: Invitae Variant Classification Sherloc (09022015). Collection method: clinical testing. Allele origin: germline.
Comment: In summary, the available evidence is currently insufficient to determine the role of this variant in disease. Therefore, it has been classified as a Variant of Uncertain Significance. Variants that disrupt the consensus splice site are a relatively common cause of aberrant splicing (PMID: 17576681, 9536098). Algorithms developed to predict the effect of sequence changes on RNA splicing suggest that this variant may disrupt the consensus splice site. This variant has not been reported in the literature in individuals affected with GOSR2-related conditions. This variant is present in population databases (rs754004382, ExAC 0.003%). This sequence change falls in intron 2 of the GOSR2 gene. It does not directly change the encoded amino acid sequence of the GOSR2 protein. It affects a nucleotide within the consensus splice site of the intron.

Literature cited by the submitters: PubMed 17576681 (cited by Labcorp Genetics (formerly Invitae), Labcorp); PubMed 9536098 (cited by Labcorp Genetics (formerly Invitae), Labcorp).